The following is an entry in ClinVar:

NM_152783.5(D2HGDH):c.*474C>T

Gene: D2HGDH (D-2-hydroxyglutarate dehydrogenase; plus strand). Cytogenetic location: 2q37.3.
Variant type: single nucleotide variant.
Coding change: c.*474C>T on transcript NM_152783.5 (MANE Select); 474 bases downstream of the stop codon, C replaced by T.
Molecular consequence: 3 prime UTR variant. On other transcripts: non-coding transcript variant (1).
Genome position (GRCh38, 1-based): chr2:241,768,443, C>T. VCF-style: chr2-241768443-C-T. GRCh37 (hg19) VCF-style: chr2-242707858-C-T.
Other names: c.*474C>T (NM_001287249.2, NM_001352824.2).
Identifiers: ClinVar variation 335339 (VCV000335339.5), dbSNP rs570372209, ClinGen allele CA10615027.

ClinVar aggregate classification (germline): Likely benign (1 of 4 stars; one submission).

Conditions:
D-2-hydroxyglutaric aciduria 1 (D2HGA1). Identifiers: Orphanet 79315, MedGen C3152055, MONDO:0024554, OMIM 600721.

Allele frequency attached by ClinVar (database versions not stated): gnomAD 0.00013 and 0.00040; TOPMed 0.00015; gnomAD exomes 0.00061; 1000 Genomes Project 30x 0.00265; 1000 Genomes Project 0.00280.
gnomAD v4.1: 67 of 166,266 alleles (0.04%); highest among the groups gnomAD compares: South Asian, 0.77%; no homozygotes.

Submission:

Illumina Laboratory Services, Illumina
Classification: Likely benign for D-2-hydroxyglutaric aciduria 1. Last evaluated: 2018-01-12. Review status: criteria provided, single submitter. Criteria: ICSL Variant Classification Criteria 13 December 2019. Collection method: clinical testing. Allele origin: germline.
Comment: This variant was observed in the ICSL laboratory as part of a predisposition screen in an ostensibly healthy population. It had not been previously curated by ICSL or reported in the Human Gene Mutation Database (HGMD: prior to June 1st, 2018), and was therefore a candidate for classification through an automated scoring system. Utilizing variant allele frequency, disease prevalence and penetrance estimates, and inheritance mode, an automated score was calculated to assess if this variant is too frequent to cause the disease. Based on the score and internal cut-off values, a variant classified as likely benign is not then subjected to further curation. The score for this variant resulted in a classification of likely benign for this disease.